The following is an entry in ClinVar:

NM_003126.4(SPTA1):c.1305C>A (p.Asp435Glu)

Gene: SPTA1 (spectrin alpha, erythrocytic 1; minus strand). Cytogenetic location: 1q23.1.
Variant type: single nucleotide variant.
Coding change: c.1305C>A on transcript NM_003126.4 (MANE Select); coding-DNA position 1305, C replaced by A.
Protein change: p.Asp435Glu; replaces aspartic acid 435 with glutamic acid.
Molecular consequence: missense variant.
Genome position (GRCh38, 1-based): chr1:158,674,374, G>T on the plus strand (C>A on the coding strand, the complement: SPTA1 is on the minus strand). VCF-style: chr1-158674374-G-T. GRCh37 (hg19) VCF-style: chr1-158644164-G-T.
Other names: short protein forms D435E.
Identifiers: ClinVar variation 2290458 (VCV002290458.3), dbSNP rs1308245347, ClinGen allele CA343014825.

ClinVar aggregate classification (germline): Uncertain significance. Review status: criteria provided, multiple submitters, no conflicts (2 of 4 stars). 2 submissions from 2 submitters: Uncertain significance (2). Last evaluated 2025-05-13.

gnomAD v4.1: 5 of 1,613,906 alleles (0.00031%); highest among the groups gnomAD compares: Admixed American, 0.0017%; no homozygotes.

Submissions (2):

Labcorp Genetics (formerly Invitae), Labcorp
Classification: Uncertain significance. Last evaluated: 2025-05-13. Review status: criteria provided, single submitter. Criteria: Invitae Variant Classification Sherloc (09022015). Collection method: clinical testing. Allele origin: germline.
Comment: This sequence change replaces aspartic acid, which is acidic and polar, with glutamic acid, which is acidic and polar, at codon 435 of the SPTA1 protein (p.Asp435Glu). This variant is present in population databases (no rsID available, gnomAD 0.003%). This variant has not been reported in the literature in individuals affected with SPTA1-related conditions. ClinVar contains an entry for this variant (Variation ID: 2290458). Invitae Evidence Modeling of protein sequence and biophysical properties (such as structural, functional, and spatial information, amino acid conservation, physicochemical variation, residue mobility, and thermodynamic stability) indicates that this missense variant is not expected to disrupt SPTA1 protein function with a negative predictive value of 80%. In summary, the available evidence is currently insufficient to determine the role of this variant in disease. Therefore, it has been classified as a Variant of Uncertain Significance.

Ambry Genetics
Classification: Uncertain significance. Last evaluated: 2022-05-18. Review status: criteria provided, single submitter. Criteria: Ambry Variant Classification Scheme 2023. Collection method: clinical testing. Allele origin: germline.